The following is an entry in ClinVar:

ClinVar aggregate classification (germline): Uncertain significance. Review status: criteria provided, multiple submitters, no conflicts (2 of 4 stars). 2 submissions from 2 submitters: Uncertain significance (2). Last evaluated 2025-08-09.

Conditions:
Camptomelic dysplasia (CMPD). Also called: Campomelic Dysplasia; CMPD1/SRA1. Identifiers: Orphanet 140, MedGen C1861922, MONDO:0007251, OMIM 114290.
Inborn genetic diseases. Identifiers: MedGen C0950123, MeSH D030342.

gnomAD v4.1: 12 of 1,613,846 alleles (0.00074%); highest among the groups gnomAD compares: South Asian, 0.0011%; no homozygotes.

Submissions (2):

Ambry Genetics
Classification: Uncertain significance for Inborn genetic diseases. Last evaluated: 2025-08-09. Review status: criteria provided, single submitter. Criteria: Ambry Variant Classification Scheme 2023. Collection method: clinical testing. Allele origin: germline.

Labcorp Genetics (formerly Invitae), Labcorp
Classification: Uncertain significance for Camptomelic dysplasia. Last evaluated: 2024-09-08. Review status: criteria provided, single submitter. Criteria: Invitae Variant Classification Sherloc (09022015). Collection method: clinical testing. Allele origin: germline.
Comment: This sequence change replaces threonine, which is neutral and polar, with asparagine, which is neutral and polar, at codon 288 of the SOX9 protein (p.Thr288Asn). This variant is present in population databases (no rsID available, gnomAD 0.003%). This variant has not been reported in the literature in individuals affected with SOX9-related conditions. Invitae Evidence Modeling of protein sequence and biophysical properties (such as structural, functional, and spatial information, amino acid conservation, physicochemical variation, residue mobility, and thermodynamic stability) indicates that this missense variant is not expected to disrupt SOX9 protein function with a negative predictive value of 80%. In summary, the available evidence is currently insufficient to determine the role of this variant in disease. Therefore, it has been classified as a Variant of Uncertain Significance.

NM_000346.4(SOX9):c.863C>A (p.Thr288Asn)

Gene: SOX9 (SRY-box transcription factor 9; plus strand). Cytogenetic location: 17q24.3.
Variant type: single nucleotide variant.
Coding change: c.863C>A on transcript NM_000346.4 (MANE Select); coding-DNA position 863, C replaced by A.
Protein change: p.Thr288Asn; replaces threonine 288 with asparagine.
Molecular consequence: missense variant.
Genome position (GRCh38, 1-based): chr17:72,123,720, C>A. VCF-style: chr17-72123720-C-A. GRCh37 (hg19) VCF-style: chr17-70119861-C-A.
Other names: c.863C>A (NM_000346.3); short protein forms T288N.
Identifiers: ClinVar variation 3706885 (VCV003706885.3).